The following is an entry in ClinVar:

NM_001197104.2(KMT2A):c.8960C>T (p.Thr2987Ile)

Gene: KMT2A (lysine methyltransferase 2A; plus strand). Cytogenetic location: 11q23.3.
Variant type: single nucleotide variant.
Coding change: c.8960C>T on transcript NM_001197104.2 (MANE Select); coding-DNA position 8960, C replaced by T.
Protein change: p.Thr2987Ile; replaces threonine 2987 with isoleucine.
Molecular consequence: missense variant.
Genome position (GRCh38, 1-based): chr11:118,504,852, C>T. VCF-style: chr11-118504852-C-T. GRCh37 (hg19) VCF-style: chr11-118375567-C-T.
Other names: c.9050C>T, p.Thr3017Ile (NM_001412597.1); c.8951C>T, p.Thr2984Ile (NM_005933.4); short protein forms T2987I, T2984I, T3017I.
Identifiers: ClinVar variation 3682485 (VCV003682485.2).

ClinVar aggregate classification (germline): Uncertain significance (1 of 4 stars; one submission).

Submission:

Labcorp Genetics (formerly Invitae), Labcorp
Classification: Uncertain significance. Last evaluated: 2025-01-08. Review status: criteria provided, single submitter. Criteria: Invitae Variant Classification Sherloc (09022015). Collection method: clinical testing. Allele origin: germline.
Comment: This sequence change replaces threonine, which is neutral and polar, with isoleucine, which is neutral and non-polar, at codon 2987 of the KMT2A protein (p.Thr2987Ile). This variant is not present in population databases (gnomAD no frequency). This variant has not been reported in the literature in individuals affected with KMT2A-related conditions. Invitae Evidence Modeling of protein sequence and biophysical properties (such as structural, functional, and spatial information, amino acid conservation, physicochemical variation, residue mobility, and thermodynamic stability) indicates that this missense variant is not expected to disrupt KMT2A protein function with a negative predictive value of 95%. In summary, the available evidence is currently insufficient to determine the role of this variant in disease. Therefore, it has been classified as a Variant of Uncertain Significance.